The following is an entry in ClinVar:

ClinVar aggregate classification (germline): Benign. Review status: criteria provided, multiple submitters, no conflicts (2 of 4 stars). 2 submissions from 2 submitters: Benign (2). Last evaluated 2018-06-19.

Allele frequency attached by ClinVar (database versions not stated): 1000 Genomes Project 0.04872; 1000 Genomes Project 30x 0.05294; gnomAD 0.06857 and 0.07220; TOPMed 0.07071.
gnomAD v4.1: 10,512 of 152,162 alleles (6.9%); highest among the groups gnomAD compares: African/African-American, 8.5%; 428 homozygotes.

Submissions (2):

GeneDx
Classification: Benign. Last evaluated: 2018-06-19. Review status: criteria provided, single submitter. Criteria: GeneDx Variant Classification (06012015). Collection method: clinical testing. Allele origin: germline. Affected: yes.
Comment: This variant is considered likely benign or benign based on one or more of the following criteria: it is a conservative change, it occurs at a poorly conserved position in the protein, it is predicted to be benign by multiple in silico algorithms, and/or has population frequency not consistent with disease.

Breakthrough Genomics
Classification: Benign. Review status: criteria provided, single submitter. Criteria: ACMG Guidelines, 2015. Collection method: not provided. Allele origin: germline. Inheritance: Autosomal recessive inheritance. Affected: yes.

NM_018979.4(WNK1):c.3111+236C>A

Gene: WNK1 (WNK lysine deficient protein kinase 1; plus strand). Cytogenetic location: 12p13.33.
Variant type: single nucleotide variant.
Coding change: c.3111+236C>A on transcript NM_018979.4 (MANE Select); 236 bases into the intron after coding-DNA position 3111, C replaced by A.
Molecular consequence: intron variant.
Genome position (GRCh38, 1-based): chr12:881,235, C>A. VCF-style: chr12-881235-C-A. GRCh37 (hg19) VCF-style: chr12-990401-C-A.
Other names: c.3868-457C>A (NM_213655.5); c.3891+236C>A (NM_001184985.2); c.2371-457C>A (NM_014823.3).
Identifiers: ClinVar variation 672337 (VCV000672337.2), dbSNP rs72650711, ClinGen allele CA15736738.